The following is an entry in ClinVar:

ClinVar aggregate classification (germline): Uncertain significance (1 of 4 stars; one submission).

Conditions:
Charcot-Marie-Tooth Neuropathy X. Identifiers: MedGen CN118851.

Submission:

Labcorp Genetics (formerly Invitae), Labcorp
Classification: Uncertain significance for Charcot-Marie-Tooth Neuropathy X. Last evaluated: 2023-11-28. Review status: criteria provided, single submitter. Criteria: Invitae Variant Classification Sherloc (09022015). Collection method: clinical testing. Allele origin: germline.
Comment: This sequence change replaces glutamic acid, which is acidic and polar, with valine, which is neutral and non-polar, at codon 47 of the GJB1 protein (p.Glu47Val). This variant is not present in population databases (gnomAD no frequency). This missense change has been observed in individual(s) with clinical features of Charcot-Marie-Tooth disease (Invitae). ClinVar contains an entry for this variant (Variation ID: 852168). Advanced modeling of protein sequence and biophysical properties (such as structural, functional, and spatial information, amino acid conservation, physicochemical variation, residue mobility, and thermodynamic stability) performed at Invitae indicates that this missense variant is expected to disrupt GJB1 protein function with a positive predictive value of 80%. This variant disrupts the p.Glu47 amino acid residue in GJB1. Other variant(s) that disrupt this residue have been observed in individuals with GJB1-related conditions (PMID: 17100997, 28448691; Invitae), which suggests that this may be a clinically significant amino acid residue. In summary, the available evidence is currently insufficient to determine the role of this variant in disease. Therefore, it has been classified as a Variant of Uncertain Significance.

Literature cited by the submitters: PubMed 17100997; PubMed 28448691.

NM_000166.6(GJB1):c.140A>T (p.Glu47Val)

Gene: GJB1 (gap junction protein beta 1; plus strand). Cytogenetic location: Xq13.1.
Variant type: single nucleotide variant.
Coding change: c.140A>T on transcript NM_000166.6 (MANE Select); coding-DNA position 140, A replaced by T.
Protein change: p.Glu47Val; replaces glutamic acid 47 with valine.
Molecular consequence: missense variant.
Genome position (GRCh38, 1-based): chrX:71,223,847, A>T. VCF-style: chrX-71223847-A-T. GRCh37 (hg19) VCF-style: chrX-70443697-A-T.
Other names: c.140A>T, p.Glu47Val (NM_001097642.3); short protein forms E47V.
Identifiers: ClinVar variation 852168 (VCV000852168.9), dbSNP rs1602348828, ClinGen allele CA413501098.